The following is an entry in ClinVar:

NM_000260.4(MYO7A):c.6448A>C (p.Thr2150Pro)

Gene: MYO7A (myosin VIIA; plus strand). Cytogenetic location: 11q13.5.
Variant type: single nucleotide variant.
Coding change: c.6448A>C on transcript NM_000260.4 (MANE Select); coding-DNA position 6448, A replaced by C.
Protein change: p.Thr2150Pro; replaces threonine 2150 with proline.
Molecular consequence: missense variant.
Genome position (GRCh38, 1-based): chr11:77,213,869, A>C. VCF-style: chr11-77213869-A-C. GRCh37 (hg19) VCF-style: chr11-76924914-A-C.
Other names: c.6328A>C, p.Thr2110Pro (NM_001127180.2); c.6301A>C, p.Thr2101Pro (NM_001369365.1); short protein forms T2101P, T2110P, T2150P.
Identifiers: ClinVar variation 4800492 (VCV004800492.1).

ClinVar aggregate classification (germline): Uncertain significance (1 of 4 stars; one submission).

Submission:

Labcorp Genetics (formerly Invitae), Labcorp
Classification: Uncertain significance. Last evaluated: 2025-03-04. Review status: criteria provided, single submitter. Criteria: Invitae Variant Classification Sherloc (09022015). Collection method: clinical testing. Allele origin: germline.
Comment: This sequence change replaces threonine, which is neutral and polar, with proline, which is neutral and non-polar, at codon 2150 of the MYO7A protein (p.Thr2150Pro). This variant is not present in population databases (gnomAD no frequency). This variant has not been reported in the literature in individuals affected with MYO7A-related conditions. Invitae Evidence Modeling of protein sequence and biophysical properties (such as structural, functional, and spatial information, amino acid conservation, physicochemical variation, residue mobility, and thermodynamic stability) indicates that this missense variant is not expected to disrupt MYO7A protein function with a negative predictive value of 95%. In summary, the available evidence is currently insufficient to determine the role of this variant in disease. Therefore, it has been classified as a Variant of Uncertain Significance.